The following is an entry in ClinVar:

ClinVar aggregate classification (germline): Uncertain significance (1 of 4 stars; one submission).

Conditions:
Hereditary cancer-predisposing syndrome. Also called: Tumor predisposition; Hereditary neoplastic syndrome; Neoplastic Syndromes, Hereditary; Hereditary Cancer Syndrome. Identifiers: Orphanet 140162, MedGen C0027672, MeSH D009386, MONDO:0015356.

Submission:

Ambry Genetics
Classification: Uncertain significance for Hereditary cancer-predisposing syndrome. Last evaluated: 2025-05-07. Review status: criteria provided, single submitter. Criteria: Ambry Variant Classification Scheme 2023. Collection method: clinical testing. Allele origin: germline.
Comment: The p.K106N variant (also known as c.318G>T), located in coding exon 3 of the EPCAM gene, results from a G to T substitution at nucleotide position 318. The lysine at codon 106 is replaced by asparagine, an amino acid with similar properties. This amino acid position is conserved. In addition, this alteration is predicted to be tolerated by in silico analysis. Based on the available evidence, the clinical significance of this variant remains unclear.

NM_002354.3(EPCAM):c.318G>T (p.Lys106Asn)

Gene: EPCAM (epithelial cell adhesion molecule; plus strand). Cytogenetic location: 2p21.
Variant type: single nucleotide variant.
Coding change: c.318G>T on transcript NM_002354.3 (MANE Select); coding-DNA position 318, G replaced by T.
Protein change: p.Lys106Asn; replaces lysine 106 with asparagine.
Molecular consequence: missense variant.
Genome position (GRCh38, 1-based): chr2:47,373,941, G>T. VCF-style: chr2-47373941-G-T. GRCh37 (hg19) VCF-style: chr2-47601080-G-T.
Other names: short protein forms K106N.
Identifiers: ClinVar variation 4018575 (VCV004018575.1).
Genomic context (GRCh38, chr2:47,373,941, plus strand): 5'-GGCCCTCCAGAACAATGATGGGCTTTATGATCCTGACTGCGATGAGAGCGGGCTCTTTAA[G>T]GCCAAGCAGTGCAACGGCACCTCCATGTGCTGGTGTGTGAACACTGCTGGGGTCAGAAGA-3'
Protein context (NP_002345.2, residues 96-116): DPDCDESGLF[Lys106Asn]AKQCNGTSMC